The following is an entry in ClinVar:

NM_004183.4(BEST1):c.867+77T>C

Gene: BEST1 (bestrophin 1; plus strand). Cytogenetic location: 11q12.3.
Variant type: single nucleotide variant.
Coding change: c.867+77T>C on transcript NM_004183.4 (MANE Select); 77 bases into the intron after coding-DNA position 867, T replaced by C.
Molecular consequence: intron variant. On other transcripts: missense variant (1), 5 prime UTR variant (1), non-coding transcript variant (1).
Genome position (GRCh38, 1-based): chr11:61,958,375, T>C. VCF-style: chr11-61958375-T-C. GRCh37 (hg19) VCF-style: chr11-61725847-T-C.
Other names: c.944T>C, p.Met315Thr (NM_001363592.2); c.-232T>C (NM_001363593.3); c.867+77T>C (NM_001440571.1, NM_001440572.1); c.714+911T>C (NM_001440573.1); c.687+77T>C (NM_001139443.3, NM_001300787.2, NM_001440574.1 and 1 more transcripts); c.534+911T>C (NM_001440575.1, NM_001440576.1); c.549+77T>C (NM_001363591.3); short protein forms M315T.
Identifiers: ClinVar variation 4990730 (VCV004990730.1).

ClinVar aggregate classification (germline): Uncertain significance (1 of 4 stars; one submission).

Conditions:
BEST1-related disorder. Also called: BEST1-related disorders; BEST1-related condition. Identifiers: MedGen CN239200.

gnomAD v4.1: 1 of 1,609,238 alleles (0.000062%); highest among the groups gnomAD compares: Admixed American, 0.0017%; no homozygotes.

Submission:

PreventionGenetics, part of Exact Sciences
Classification: Uncertain significance for BEST1-related condition. Last evaluated: 2025-06-27. Review status: criteria provided, single submitter. Criteria: ACMG Guidelines, 2015. Collection method: clinical testing. Allele origin: germline.
Comment: The BEST1 c.944T>C variant is predicted to result in the amino acid substitution p.Met315Thr. Note that this variant is deep intronic (c.867+77T>C) in the primary transcript (NM_004183.4) listed in the Human Gene Mutation Database (HGMD). To our knowledge, this variant has not been reported in the literature or in a large population database (gnomAD), indicating this variant is rare. At this time, the clinical significance of this variant is uncertain due to the absence of conclusive functional and genetic evidence.